The following is an entry in ClinVar:

ClinVar aggregate classification (germline): Benign (0 of 4 stars; one submission).

Conditions:
KRT75-related disorder. Also called: KRT75-related condition.

Allele frequency attached by ClinVar (database versions not stated): ESP Exome Variant Server 0.00354; 1000 Genomes Project 30x 0.00359; ExAC 0.00095; gnomAD 0.00252; TOPMed 0.00309; 1000 Genomes Project 0.00319.
gnomAD v4.1: 1,087 of 1,610,138 alleles (0.068%); highest among the groups gnomAD compares: African/African-American, 0.86%; 1 homozygote.

Submission:

PreventionGenetics, part of Exact Sciences
Classification: Benign for KRT75-related condition. Last evaluated: 2020-06-11. Review status: no assertion criteria provided. Collection method: clinical testing. Allele origin: germline.
Comment: This variant is classified as benign based on ACMG/AMP sequence variant interpretation guidelines (Richards et al. 2015 PMID: 25741868, with internal and published modifications).

NM_004693.3(KRT75):c.626G>A (p.Arg209Gln)

Gene: KRT75 (keratin 75; minus strand). Cytogenetic location: 12q13.13.
Variant type: single nucleotide variant.
Coding change: c.626G>A on transcript NM_004693.3 (MANE Select); coding-DNA position 626, G replaced by A.
Protein change: p.Arg209Gln; replaces arginine 209 with glutamine.
Molecular consequence: missense variant.
Genome position (GRCh38, 1-based): chr12:52,433,125, C>T on the plus strand (G>A on the coding strand, the complement: KRT75 is on the minus strand). VCF-style: chr12-52433125-C-T. GRCh37 (hg19) VCF-style: chr12-52826909-C-T.
Other names: short protein forms R209Q.
Identifiers: ClinVar variation 3044102 (VCV003044102.2), dbSNP rs2232390, ClinGen allele CA6580100.
Genomic context (GRCh38, chr12:52,433,125, plus strand): 5'-TGCATGTTCCTCAGTTCAGCTTCAAGCCTGCCCCTCTCGGTGGTGATGCTTTCCAGCTGC[C>T]GTCGGAGCTCACTGGTATAGGAATCAAAGAGGGGCTCTAGGTTCTGCCTCACAGTCCTGG-3'
Protein context (NP_004684.2, residues 199-219): LFDSYTSELR[Arg209Gln]QLESITTERG